The following is an entry in ClinVar:

ClinVar aggregate classification (germline): Likely benign. Review status: criteria provided, multiple submitters, no conflicts (2 of 4 stars). 3 submissions from 3 submitters: Likely benign (3). Last evaluated 2026-02-01.

Allele frequency attached by ClinVar (database versions not stated): ExAC 0.00007; gnomAD exomes 0.00010 and 0.00011; TOPMed 0.00010; gnomAD 0.00014 and 0.00015.
gnomAD v4.1: 171 of 1,612,246 alleles (0.011%); highest among the groups gnomAD compares: Non-Finnish European, 0.014%; no homozygotes.

Submissions (3):

CeGaT Center for Human Genetics Tuebingen
Classification: Likely benign. Last evaluated: 2026-02-01. Review status: criteria provided, single submitter. Criteria: CeGaT Center For Human Genetics Tuebingen Variant Classification Criteria Version 2. Collection method: clinical testing. Allele origin: germline. Affected: yes. Observed: 2 variant alleles.
Comment: MYO5A: BP4, BP7

Labcorp Genetics (formerly Invitae), Labcorp
Classification: Likely benign. Last evaluated: 2025-10-02. Review status: criteria provided, single submitter. Criteria: Invitae Variant Classification Sherloc (09022015). Collection method: clinical testing. Allele origin: germline.

Blueprint Genetics
Classification: Likely benign. Last evaluated: 2024-11-27. Review status: criteria provided, single submitter. Criteria: ACMG Guidelines, 2015. Collection method: clinical testing. Allele origin: germline.

NM_001382347.1(MYO5A):c.2679G>A (p.Gln893=)

Gene: MYO5A (myosin VA; minus strand). Cytogenetic location: 15q21.2.
Variant type: single nucleotide variant.
Coding change: c.2679G>A on transcript NM_001382347.1 (MANE Select); coding-DNA position 2679, G replaced by A.
Protein change: p.Gln893=; no amino-acid change (glutamine 893 retained).
Molecular consequence: synonymous variant.
Genome position (GRCh38, 1-based): chr15:52,372,262, C>T on the plus strand (G>A on the coding strand, the complement: MYO5A is on the minus strand). VCF-style: chr15-52372262-C-T. GRCh37 (hg19) VCF-style: chr15-52664459-C-T.
Other names: c.2679G>A, p.Gln893= (NM_000259.3, NM_001142495.2); c.2751G>A, p.Gln917= (NM_001382348.1, NM_001382349.1).
Identifiers: ClinVar variation 755412 (VCV000755412.17), dbSNP rs779195464, ClinGen allele CA7568626.